The following is an entry in ClinVar:

ClinVar aggregate classification (germline): Uncertain significance (1 of 4 stars; one submission).

Conditions:
46,XY sex reversal 6. Also called: 46,XY GONADAL DYSGENESIS, PARTIAL OR COMPLETE, MAP3K1-RELATED; 46,XY SEX REVERSAL, PARTIAL OR COMPLETE, MAP3K1-RELATED. Identifiers: MedGen C3151064, MONDO:0013410, OMIM 613762.

Submission:

Labcorp Genetics (formerly Invitae), Labcorp
Classification: Uncertain significance for 46,XY sex reversal 6. Last evaluated: 2018-10-06. Review status: criteria provided, single submitter. Criteria: Invitae Variant Classification Sherloc (09022015). Collection method: clinical testing. Allele origin: germline.
Comment: This sequence change replaces glutamine with glutamic acid at codon 520 of the MAP3K1 protein (p.Gln520Glu). The glutamine residue is highly conserved and there is a small physicochemical difference between glutamine and glutamic acid. This variant is not present in population databases (ExAC no frequency). This variant has not been reported in the literature in individuals with MAP3K1-related disease. Algorithms developed to predict the effect of missense changes on protein structure and function are either unavailable or do not agree on the potential impact of this missense change (SIFT: "Deleterious"; PolyPhen-2: "Benign"; Align-GVGD: "Class C0"). In summary, the available evidence is currently insufficient to determine the role of this variant in disease. Therefore, it has been classified as a Variant of Uncertain Significance.

NM_005921.2(MAP3K1):c.1558C>G (p.Gln520Glu)

Gene: MAP3K1 (mitogen-activated protein kinase kinase kinase 1; plus strand). Cytogenetic location: 5q11.2.
Variant type: single nucleotide variant.
Coding change: c.1558C>G on transcript NM_005921.2 (MANE Select); coding-DNA position 1558, C replaced by G.
Protein change: p.Gln520Glu; replaces glutamine 520 with glutamic acid.
Molecular consequence: missense variant.
Genome position (GRCh38, 1-based): chr5:56,872,877, C>G. VCF-style: chr5-56872877-C-G. GRCh37 (hg19) VCF-style: chr5-56168704-C-G.
Other names: short protein forms Q520E.
Identifiers: ClinVar variation 639141 (VCV000639141.8), dbSNP rs1579768504, ClinGen allele CA359779215.